The following is an entry in ClinVar:

ClinVar aggregate classification (germline): Likely benign. Review status: criteria provided, single submitter (1 of 4 stars). 2 submissions from 2 submitters: Likely benign (1). 1 of the submissions does not count toward it. Last evaluated 2026-04-01.

Conditions:
PRKD1-related disorder. Also called: PRKD1-related condition.

Allele frequency attached by ClinVar (database versions not stated): 1000 Genomes Project 0.00020; TOPMed 0.00022; gnomAD 0.00024; ESP Exome Variant Server 0.00031; 1000 Genomes Project 30x 0.00031; ExAC 0.00031.
gnomAD v4.1: 474 of 1,613,788 alleles (0.029%); highest among the groups gnomAD compares: Non-Finnish European, 0.032%; no homozygotes.

Submissions (2):

CeGaT Center for Human Genetics Tuebingen
Classification: Likely benign. Last evaluated: 2026-04-01. Review status: criteria provided, single submitter. Criteria: CeGaT Center For Human Genetics Tuebingen Variant Classification Criteria Version 2. Collection method: clinical testing. Allele origin: germline. Affected: yes. Observed: 2 variant alleles.
Comment: PRKD1: BP4, BP7

PreventionGenetics, part of Exact Sciences
Classification: Likely benign for PRKD1-related condition. Last evaluated: 2019-06-11. Review status: no assertion criteria provided. Collection method: clinical testing. Allele origin: germline. Not counted in ClinVar's aggregate classification.
Comment: This variant is classified as likely benign based on ACMG/AMP sequence variant interpretation guidelines (Richards et al. 2015 PMID: 25741868, with internal and published modifications).

NM_002742.3(PRKD1):c.2370C>T (p.His790=)

Gene: PRKD1 (protein kinase D1; minus strand). Cytogenetic location: 14q12.
Variant type: single nucleotide variant.
Coding change: c.2370C>T on transcript NM_002742.3 (MANE Select); coding-DNA position 2370, C replaced by T.
Protein change: p.His790=; no amino-acid change (histidine 790 retained).
Molecular consequence: synonymous variant.
Genome position (GRCh38, 1-based): chr14:29,597,555, G>A on the plus strand (C>T on the coding strand, the complement: PRKD1 is on the minus strand). VCF-style: chr14-29597555-G-A. GRCh37 (hg19) VCF-style: chr14-30066761-G-A.
Other names: c.2394C>T, p.His798= (NM_001330069.2); c.2106C>T, p.His702= (NM_001348390.1).
Identifiers: ClinVar variation 3034504 (VCV003034504.6), dbSNP rs55654917, ClinGen allele CA7140917.